The following is an entry in ClinVar:

NM_001110556.2(FLNA):c.5162del (p.Val1721fs)

Gene: FLNA (filamin A; minus strand). Cytogenetic location: Xq28.
Variant type: Deletion.
Coding change: c.5162del on transcript NM_001110556.2 (MANE Select); coding-DNA position 5162, one base deleted (T; older notation c.5162delT).
Protein change: p.Val1721fs; shifts the reading frame from valine 1721.
Molecular consequence: frameshift variant.
Genome position (GRCh38, 1-based): chrX:154,354,880, A deleted on the plus strand (T on the coding strand, the reverse complement: FLNA is on the minus strand). VCF-style (leftmost placement, unchanged base first): chrX-154354879-GA-G. GRCh37 (hg19) VCF-style: chrX-153583247-GA-G.
Other names: c.5138del, p.Val1713fs (NM_001456.4); c.5138delT (NM_001456.4); short protein forms V1721fs, V1713fs.
Identifiers: ClinVar variation 1031981 (VCV001031981.2), dbSNP rs2067650699, ClinGen allele CA2466653810.
Genomic context (GRCh38, chrX:154,354,879, plus strand): 5'-CCTCACCGTCACTTGGAAGGGGCTGTTGGGCACGTGCTCGCCACCAAAGCGCACACAGAT[GA>G]CGTATTTGCCCGGCTGGGGGGCCGTGTAGAAGATGTCGAAAGTGCCGTCCTCATTCTCCA-3'

ClinVar aggregate classification (germline): Pathogenic. Review status: criteria provided, multiple submitters, no conflicts (2 of 4 stars). 2 submissions from 2 submitters: Pathogenic (2). Last evaluated 2025-08-25.

Conditions:
FLNA-related disorder.
Oto-palato-digital syndrome, type I (OPD1). Also called: OPD I SYNDROME; OPD SYNDROME 1; Taybi syndrome; Otopalatodigital Syndrome Type 1 (FLNA-OPD1); Otopalatodigital Syndrome, Type I. Identifiers: Orphanet 669, Orphanet 90650, MedGen C0265251, MONDO:0010704, OMIM 311300.

Submissions (2):

Daryl Scott Lab, Baylor College of Medicine
Classification: Pathogenic for FLNA-related disorder. Last evaluated: 2025-08-25. Review status: criteria provided, single submitter. Criteria: ACMG Guidelines, 2015. Collection method: clinical testing. Allele origin: de novo. Affected: yes. Observed: 1 heterozygote.
Comment: PVS1, PS2, PM2

Baylor Genetics
Classification: Pathogenic for Oto-palato-digital syndrome, type I. Last evaluated: 2018-03-19. Review status: criteria provided, single submitter. Criteria: ACMG Guidelines, 2015. Collection method: clinical testing. Allele origin: de novo. Affected: yes.
Comment: This variant was determined to be pathogenic according to ACMG Guidelines, 2015 [PMID:25741868].